The following is an entry in ClinVar:

ClinVar aggregate classification (germline): Pathogenic. Review status: criteria provided, multiple submitters, no conflicts (2 of 4 stars). 2 submissions from 2 submitters: Pathogenic (2). Last evaluated 2026-08-27.

Allele frequency attached by ClinVar (database versions not stated): gnomAD 0.00001; ESP Exome Variant Server 0.00008; TOPMed 0.00006.
gnomAD v4.1: 10 of 1,613,568 alleles (0.00062%); highest among the groups gnomAD compares: African/African-American, 0.0093%; no homozygotes.

Submissions (2):

GeneDx
Classification: Pathogenic. Last evaluated: 2026-08-27. Review status: criteria provided, single submitter. Criteria: GeneDx Variant Classification Process June 2021. Collection method: clinical testing. Allele origin: germline.
Comment: Nonsense variant predicted to result in protein truncation or nonsense mediated decay in a gene for which loss of function is a known mechanism of disease; Not observed at significant frequency in large population cohorts (gnomAD); Has not been previously published in association with a SLC38A8-related disorder to our knowledge; This variant is associated with the following publications: (PMID: 33498813, 31964843)

Labcorp Genetics (formerly Invitae), Labcorp
Classification: Pathogenic. Last evaluated: 2023-10-14. Review status: criteria provided, single submitter. Criteria: Invitae Variant Classification Sherloc (09022015). Collection method: clinical testing. Allele origin: germline.
Comment: This sequence change creates a premature translational stop signal (p.Gln149*) in the SLC38A8 gene. It is expected to result in an absent or disrupted protein product. Loss-of-function variants in SLC38A8 are known to be pathogenic (PMID: 24290379). This variant is present in population databases (rs146899328, gnomAD 0.003%). This variant has not been reported in the literature in individuals affected with SLC38A8-related conditions. ClinVar contains an entry for this variant (Variation ID: 817539). For these reasons, this variant has been classified as Pathogenic.

Literature cited by the submitters: PubMed 24290379 (cited by Labcorp Genetics (formerly Invitae), Labcorp).

NM_001080442.3(SLC38A8):c.445C>T (p.Gln149Ter)

Gene: SLC38A8 (solute carrier family 38 member 8; minus strand). Cytogenetic location: 16q23.3.
Variant type: single nucleotide variant.
Coding change: c.445C>T on transcript NM_001080442.3 (MANE Select); coding-DNA position 445, C replaced by T.
Protein change: p.Gln149Ter; replaces glutamine 149 with a stop codon.
Molecular consequence: nonsense.
Genome position (GRCh38, 1-based): chr16:84,033,413, G>A on the plus strand (C>T on the coding strand, the complement: SLC38A8 is on the minus strand). VCF-style: chr16-84033413-G-A. GRCh37 (hg19) VCF-style: chr16-84067018-G-A.
Other names: short protein forms Q149*.
Identifiers: ClinVar variation 817539 (VCV000817539.7), dbSNP rs146899328, ClinGen allele CA285459384.